The following is an entry in ClinVar:

ClinVar aggregate classification (germline): Benign. Review status: criteria provided, multiple submitters, no conflicts (2 of 4 stars). 4 submissions from 4 submitters: Benign (4). Last evaluated 2026-02-04.

Conditions:
Dyskeratosis congenita, autosomal recessive 5 (DKCB5). Identifiers: MedGen C3554656, MONDO:0014076, OMIM 615190.

Allele frequency attached by ClinVar (database versions not stated): gnomAD exomes 0.93903; gnomAD 0.94528 and 0.94547; TOPMed 0.94813; 1000 Genomes Project 30x 0.96518; ESP Exome Variant Server 0.94222; 1000 Genomes Project 0.96546; ExAC 0.93840.

Submissions (4):

Labcorp Genetics (formerly Invitae), Labcorp
Classification: Benign. Last evaluated: 2026-02-04. Review status: criteria provided, single submitter. Criteria: Invitae Variant Classification Sherloc (09022015). Collection method: clinical testing. Allele origin: germline.

Mendelics
Classification: Benign for Dyskeratosis congenita, autosomal recessive 5. Last evaluated: 2019-05-28. Review status: criteria provided, single submitter. Criteria: Mendelics Assertion Criteria 2017. Collection method: clinical testing. Allele origin: unknown.

Laboratory for Molecular Medicine, Mass General Brigham Personalized Medicine
Classification: Benign. Last evaluated: 2016-03-29. Review status: criteria provided, single submitter. Criteria: LMM Criteria. Collection method: clinical testing. Allele origin: germline.
Comment: Variant identified in a genome or exome case(s) and assessed due to predicted null impact of the variant or pathogenic assertions in the literature or databases. Disclaimer: This variant has not undergone full assessment. The following are preliminary notes: MAF

Breakthrough Genomics
Classification: Benign. Review status: criteria provided, single submitter. Criteria: ACMG Guidelines, 2015. Collection method: not provided. Allele origin: germline. Inheritance: Unknown mechanism. Affected: yes.

NM_003823.4(TNFRSF6B):c.255A>G (p.Leu85=)

Genes: RTEL1 (regulator of telomere elongation helicase 1; plus strand), RTEL1-TNFRSF6B (RTEL1-TNFRSF6B readthrough (NMD candidate); plus strand), TNFRSF6B (TNF receptor superfamily member 6b; plus strand). Cytogenetic location: 20q13.33.
Variant type: single nucleotide variant.
Coding change: c.255A>G on transcript NM_003823.4 (MANE Select); coding-DNA position 255, A replaced by G.
Protein change: p.Leu85=; no amino-acid change (leucine 85 retained).
Molecular consequence: synonymous variant. On other transcripts: non-coding transcript variant (1).
Genome position (GRCh38, 1-based): chr20:63,697,022, A>G. VCF-style: chr20-63697022-A-G. GRCh37 (hg19) VCF-style: chr20-62328375-A-G.
Identifiers: ClinVar variation 403404 (VCV000403404.16), dbSNP rs2738787, ClinGen allele CA9966383.
Genomic context (GRCh38, chr20:63,697,022, plus strand): 5'-CAGCCCCACGACGTGTGGCCCGTGTCCACCGCGCCACTACACGCAGTTCTGGAACTACCT[A>G]GAGCGCTGCCGCTACTGCAACGTCCTCTGCGGGGAGCGTGAGGAGGAGGCACGGGCTTGC-3'
Protein context (NP_003814.1, residues 75-95): PRHYTQFWNY[Leu85=]ERCRYCNVLC